The following is an entry in ClinVar:

ClinVar aggregate classification (germline): Uncertain significance (1 of 4 stars; one submission).

Conditions:
Early-infantile DEE. Also called: Ohtahara syndrome; Early infantile epileptic encephalopathy with suppression bursts; Early infantile epileptic encephalopathy. Identifiers: Orphanet 1934, MedGen C0393706, MONDO:0800491.

Submission:

Labcorp Genetics (formerly Invitae), Labcorp
Classification: Uncertain significance for Early-infantile DEE. Last evaluated: 2022-09-19. Review status: criteria provided, single submitter. Criteria: Invitae Variant Classification Sherloc (09022015). Collection method: clinical testing. Allele origin: germline.
Comment: This sequence change replaces leucine, which is neutral and non-polar, with proline, which is neutral and non-polar, at codon 40 of the KCNQ2 protein (p.Leu40Pro). This variant is not present in population databases (gnomAD no frequency). This variant has not been reported in the literature in individuals affected with KCNQ2-related conditions. ClinVar contains an entry for this variant (Variation ID: 852195). Advanced modeling of protein sequence and biophysical properties (such as structural, functional, and spatial information, amino acid conservation, physicochemical variation, residue mobility, and thermodynamic stability) performed at Invitae indicates that this missense variant is expected to disrupt KCNQ2 protein function. In summary, the available evidence is currently insufficient to determine the role of this variant in disease. Therefore, it has been classified as a Variant of Uncertain Significance.

NM_172107.4(KCNQ2):c.119T>C (p.Leu40Pro)

Gene: KCNQ2 (potassium voltage-gated channel subfamily Q member 2; minus strand). Cytogenetic location: 20q13.33.
Variant type: single nucleotide variant.
Coding change: c.119T>C on transcript NM_172107.4 (MANE Select); coding-DNA position 119, T replaced by C.
Protein change: p.Leu40Pro; replaces leucine 40 with proline.
Molecular consequence: missense variant.
Genome position (GRCh38, 1-based): chr20:63,472,345, A>G on the plus strand (T>C on the coding strand, the complement: KCNQ2 is on the minus strand). VCF-style: chr20-63472345-A-G. GRCh37 (hg19) VCF-style: chr20-62103698-A-G.
Other names: c.119T>C, p.Leu40Pro (NM_004518.6, NM_172106.3, NM_172108.5 and 1 more transcripts); short protein forms L40P.
Identifiers: ClinVar variation 852195 (VCV000852195.10), dbSNP rs2082237607, ClinGen allele CA409635635.
Genomic context (GRCh38, chr20:63,472,345, plus strand): 5'-CCCGCGCGAGGTTTGCTGAGGATGCTGCCGCGCTTGGGGGCCTCGGAGCCGGCGATCAGC[A>G]GCGCCCCGTCCCGGGTGGAGTCGGGCGCGCCGGGGTCCAGCCCCACGAAGCCCACCTTCA-3'
Protein context (NP_742105.1, residues 30-50): GAPDSTRDGA[Leu40Pro]LIAGSEAPKR